The following is an entry in ClinVar:

ClinVar aggregate classification (germline): Uncertain significance (1 of 4 stars; one submission).

Conditions:
RASopathy. Also called: Noonan spectrum disorder; rasopathies. Identifiers: Orphanet 536391, MedGen C5555857, MONDO:0021060.

Submission:

Labcorp Genetics (formerly Invitae), Labcorp
Classification: Uncertain significance for RASopathy. Last evaluated: 2025-04-23. Review status: criteria provided, single submitter. Criteria: Invitae Variant Classification Sherloc (09022015). Collection method: clinical testing. Allele origin: germline.
Comment: This sequence change replaces proline, which is neutral and non-polar, with serine, which is neutral and polar, at codon 528 of the SHOC2 protein (p.Pro528Ser). This variant is not present in population databases (gnomAD no frequency). This variant has not been reported in the literature in individuals affected with SHOC2-related conditions. ClinVar contains an entry for this variant (Variation ID: 222818). Invitae Evidence Modeling of protein sequence and biophysical properties (such as structural, functional, and spatial information, amino acid conservation, physicochemical variation, residue mobility, and thermodynamic stability) indicates that this missense variant is not expected to disrupt SHOC2 protein function with a negative predictive value of 80%. In summary, the available evidence is currently insufficient to determine the role of this variant in disease. Therefore, it has been classified as a Variant of Uncertain Significance.

NM_007373.4(SHOC2):c.1582C>T (p.Pro528Ser)

Gene: SHOC2 (SHOC2 leucine rich repeat scaffold protein; plus strand). Cytogenetic location: 10q25.2.
Variant type: single nucleotide variant.
Coding change: c.1582C>T on transcript NM_007373.4 (MANE Select); coding-DNA position 1582, C replaced by T.
Protein change: p.Pro528Ser; replaces proline 528 with serine.
Molecular consequence: missense variant. On other transcripts: non-coding transcript variant (1).
Genome position (GRCh38, 1-based): chr10:111,011,651, C>T. VCF-style: chr10-111011651-C-T. GRCh37 (hg19) VCF-style: chr10-112771409-C-T.
Other names: c.1444C>T, p.Pro482Ser (NM_001269039.3); c.1582C>T, p.Pro528Ser (NM_001324336.2, NM_001324337.2); short protein forms P528S, P482S.
Identifiers: ClinVar variation 222818 (VCV000222818.9), dbSNP rs869025524, ClinGen allele CA351739.